The following is an entry in ClinVar:

NM_000218.3(KCNQ1):c.1202G>A (p.Arg401Gln)

Gene: KCNQ1 (potassium voltage-gated channel subfamily Q member 1; plus strand). Cytogenetic location: 11p15.5.
Variant type: single nucleotide variant.
Coding change: c.1202G>A on transcript NM_000218.3 (MANE Select); coding-DNA position 1202, G replaced by A.
Protein change: p.Arg401Gln; replaces arginine 401 with glutamine.
Molecular consequence: missense variant.
Genome position (GRCh38, 1-based): chr11:2,587,643, G>A. VCF-style: chr11-2587643-G-A. GRCh37 (hg19) VCF-style: chr11-2608873-G-A.
Other names: c.1106G>A, p.Arg369Gln (NM_001406836.1); c.932G>A, p.Arg311Gln (NM_001406837.1); c.662G>A, p.Arg221Gln (NM_001406838.1); c.821G>A, p.Arg274Gln (NM_181798.2); short protein forms R274Q, R401Q, R221Q, R311Q, R369Q.
Identifiers: ClinVar variation 228765 (VCV000228765.18), dbSNP rs542628042, ClinGen allele CA027778.

ClinVar aggregate classification (germline): Uncertain significance. Review status: criteria provided, multiple submitters, no conflicts (2 of 4 stars). 5 submissions from 5 submitters: Uncertain significance (5). Last evaluated 2025-12-20.

Conditions:
Cardiovascular phenotype. Identifiers: MedGen CN230736.
Jervell and Lange-Nielsen syndrome 1 (JLNS1). Also called: CARDIOAUDITORY SYNDROME OF JERVELL AND LANGE-NIELSEN; DEAFNESS, CONGENITAL, AND FUNCTIONAL HEART DISEASE; PROLONGED QT INTERVAL IN EKG AND SUDDEN DEATH; SURDO-CARDIAC SYNDROME. Identifiers: Orphanet 768, Orphanet 90647, MedGen C4551509, MONDO:0024540, OMIM 220400.
Long QT syndrome 1 (LQT1). Identifiers: Orphanet 101016, Orphanet 768, MedGen C4551647, MONDO:0100316, OMIM 192500, MONDO:0008646.
Short QT syndrome type 2. Identifiers: Orphanet 51083, MedGen C1865019, MONDO:0012313, OMIM 609621.
Atrial fibrillation, familial, 3 (ATFB3). Identifiers: MedGen C1837014, MONDO:0011857, OMIM 607554.
Beckwith-Wiedemann syndrome (BWS). Also called: EMG SYNDROME; Exomphalos macroglossia gigantism syndrome. Identifiers: Orphanet 116, MedGen C0004903, MONDO:0007534, OMIM 130650.
Long QT syndrome (LQTS). Identifiers: MedGen C0023976, MeSH D008133, MONDO:0002442. Disease mechanism: loss of function. Inheritance: Various modes of inheritance.

Allele frequency attached by ClinVar (database versions not stated): ExAC 0.00001; gnomAD 0.00001; gnomAD exomes 0.00001; TOPMed 0.00001; 1000 Genomes Project 0.00020; 1000 Genomes Project 30x 0.00031.
gnomAD v4.1: 21 of 1,613,902 alleles (0.0013%); highest among the groups gnomAD compares: African/African-American, 0.004%; no homozygotes.

Submissions (5):

Labcorp Genetics (formerly Invitae), Labcorp
Classification: Uncertain significance for Long QT syndrome. Last evaluated: 2025-12-20. Review status: criteria provided, single submitter. Criteria: Invitae Variant Classification Sherloc (09022015). Collection method: clinical testing. Allele origin: germline.
Comment: This sequence change replaces arginine, which is basic and polar, with glutamine, which is neutral and polar, at codon 401 of the KCNQ1 protein (p.Arg401Gln). This variant is present in population databases (rs542628042, gnomAD 0.008%). This variant has not been reported in the literature in individuals affected with KCNQ1-related conditions. ClinVar contains an entry for this variant (Variation ID: 228765). Invitae Evidence Modeling of protein sequence and biophysical properties (such as structural, functional, and spatial information, amino acid conservation, physicochemical variation, residue mobility, and thermodynamic stability) indicates that this missense variant is not expected to disrupt KCNQ1 protein function with a negative predictive value of 95%. In summary, the available evidence is currently insufficient to determine the role of this variant in disease. Therefore, it has been classified as a Variant of Uncertain Significance.

Ambry Genetics
Classification: Uncertain significance for Cardiovascular phenotype. Last evaluated: 2025-11-12. Review status: criteria provided, single submitter. Criteria: Ambry Variant Classification Scheme 2023. Collection method: clinical testing. Allele origin: germline.
Comment: The p.R401Q variant (also known as c.1202G>A), located in coding exon 9 of the KCNQ1 gene, results from a G to A substitution at nucleotide position 1202. The arginine at codon 401 is replaced by glutamine, an amino acid with highly similar properties. This amino acid position is well conserved in available vertebrate species. In addition, this alteration is predicted to be deleterious by in silico analysis. Based on the available evidence, the clinical significance of this variant remains unclear.

All of Us Research Program, National Institutes of Health
Classification: Uncertain significance for Long QT syndrome. Last evaluated: 2023-12-15. Review status: criteria provided, single submitter. Criteria: ACMG Guidelines, 2015. Collection method: clinical testing. Allele origin: germline. Inheritance: Autosomal dominant inheritance. Observed: 3 variant alleles, 3 heterozygotes.
Comment: This study involves interpretation of variants in research participants for the purpose of population health screening. Participant phenotype was not available at the time of variant classification. Additional details can be found in publication PMID: 35346344, PMCID: PMC8962531

Fulgent Genetics
Classification: Uncertain significance for Beckwith-Wiedemann syndrome; Long QT syndrome 1; Jervell and Lange-Nielsen syndrome 1; Atrial fibrillation, familial, 3; Short QT syndrome type 2. Last evaluated: 2021-10-15. Review status: criteria provided, single submitter. Criteria: ACMG Guidelines, 2015. Collection method: clinical testing. Allele origin: unknown.

Laboratory for Molecular Medicine, Mass General Brigham Personalized Medicine
Classification: Uncertain significance. Last evaluated: 2015-01-21. Review status: criteria provided, single submitter. Criteria: LMM Criteria. Collection method: clinical testing. Allele origin: germline. Observed: 1 variant allele.
Comment: The p.Arg401Gln variant in KCNQ1 has not been previously reported in individuals with hearing loss, Jervell and Lange-Nielsen syndrome (JLNS) or autosomal domin ant long QT syndrome (Romano Ward syndrome), but has been identified in 1/10542 African American chromosomes by the Exome Aggregation Consortium (ExAC; dbSNP rs542628042). Although this variant has been seen in the general population, its frequency is not high enough to rule out a pathog enic role. Computational prediction tools and conservation analyses suggest that the Arg401Gln variant may not impact the protein, though this information is no t predictive enough to rule out pathogenicity. In summary, the clinical signific ance of the p.Arg401Gln variant is uncertain.

Literature cited by the submitters: PubMed 20851114 (cited by Ambry Genetics); PubMed 39073097 (cited by Ambry Genetics).